The following is an entry in ClinVar:

NM_003680.4(YARS1):c.977A>G (p.Glu326Gly)

Gene: YARS1 (tyrosyl-tRNA synthetase 1; minus strand). Cytogenetic location: 1p35.1.
Variant type: single nucleotide variant.
Coding change: c.977A>G on transcript NM_003680.4 (MANE Select); coding-DNA position 977, A replaced by G.
Protein change: p.Glu326Gly; replaces glutamic acid 326 with glycine.
Molecular consequence: missense variant.
Genome position (GRCh38, 1-based): chr1:32,782,469, T>C on the plus strand (A>G on the coding strand, the complement: YARS1 is on the minus strand). VCF-style: chr1-32782469-T-C. GRCh37 (hg19) VCF-style: chr1-33248070-T-C.
Other names: short protein forms E326G.
Identifiers: ClinVar variation 1326379 (VCV001326379.5), dbSNP rs1433806469, ClinGen allele CA339683475.

ClinVar aggregate classification (germline): Uncertain significance. Review status: criteria provided, multiple submitters, no conflicts (2 of 4 stars). 2 submissions from 2 submitters: Uncertain significance (2). Last evaluated 2025-08-27.

Conditions:
Charcot-Marie-Tooth disease dominant intermediate C (CMTDIC). Also called: CHARCOT-MARIE-TOOTH NEUROPATHY, DOMINANT INTERMEDIATE C. Identifiers: Orphanet 100045, MedGen C1842237, MONDO:0012012, OMIM 608323.

Allele frequency attached by ClinVar (database versions not stated): gnomAD 0.00001; gnomAD exomes 0.00001; TOPMed below 0.00001.
gnomAD v4.1: 8 of 1,613,946 alleles (0.0005%); highest among the groups gnomAD compares: Non-Finnish European, 0.00068%; no homozygotes.

Submissions (2):

Labcorp Genetics (formerly Invitae), Labcorp
Classification: Uncertain significance for Charcot-Marie-Tooth disease dominant intermediate C. Last evaluated: 2025-08-27. Review status: criteria provided, single submitter. Criteria: Invitae Variant Classification Sherloc (09022015). Collection method: clinical testing. Allele origin: germline.
Comment: This sequence change replaces glutamic acid, which is acidic and polar, with glycine, which is neutral and non-polar, at codon 326 of the YARS protein (p.Glu326Gly). This variant is present in population databases (no rsID available, gnomAD 0.007%). This variant has not been reported in the literature in individuals affected with YARS-related conditions. ClinVar contains an entry for this variant (Variation ID: 1326379). Invitae Evidence Modeling of protein sequence and biophysical properties (such as structural, functional, and spatial information, amino acid conservation, physicochemical variation, residue mobility, and thermodynamic stability) indicates that this missense variant is not expected to disrupt YARS protein function with a negative predictive value of 80%. In summary, the available evidence is currently insufficient to determine the role of this variant in disease. Therefore, it has been classified as a Variant of Uncertain Significance.

GeneDx
Classification: Uncertain significance. Last evaluated: 2021-05-28. Review status: criteria provided, single submitter. Criteria: GeneDx Variant Classification Process June 2021. Collection method: clinical testing. Allele origin: germline. Affected: yes.
Comment: Has not been previously published as pathogenic or benign to our knowledge; Not observed at significant frequency in large population cohorts (Lek et al., 2016); In silico analysis supports that this missense variant has a deleterious effect on protein structure/function; This variant is associated with the following publications: (PMID: 27535533)